The following is an entry in ClinVar:

NM_031935.3(HMCN1):c.5905T>C (p.Phe1969Leu)

Gene: HMCN1 (hemicentin 1; plus strand). Cytogenetic location: 1q31.1.
Variant type: single nucleotide variant.
Coding change: c.5905T>C on transcript NM_031935.3 (MANE Select); coding-DNA position 5905, T replaced by C.
Protein change: p.Phe1969Leu; replaces phenylalanine 1969 with leucine.
Molecular consequence: missense variant.
Genome position (GRCh38, 1-based): chr1:186,038,882, T>C. VCF-style: chr1-186038882-T-C. GRCh37 (hg19) VCF-style: chr1-186008014-T-C.
Other names: c.5905T>C (NM_031935.2); short protein forms F1969L.
Identifiers: ClinVar variation 1986299 (VCV001986299.5), dbSNP rs772205746, ClinGen allele CA1292417.

ClinVar aggregate classification (germline): Uncertain significance. Review status: criteria provided, multiple submitters, no conflicts (2 of 4 stars). 2 submissions from 2 submitters: Uncertain significance (2). Last evaluated 2026-01-12.

Allele frequency attached by ClinVar (database versions not stated): gnomAD exomes below 0.00001; gnomAD 0.00001; TOPMed 0.00001; ExAC 0.00002.
gnomAD v4.1: 5 of 1,604,570 alleles (0.00031%); highest among the groups gnomAD compares: Admixed American, 0.0083%; no homozygotes.

Submissions (2):

Labcorp Genetics (formerly Invitae), Labcorp
Classification: Uncertain significance. Last evaluated: 2026-01-12. Review status: criteria provided, single submitter. Criteria: Invitae Variant Classification Sherloc (09022015). Collection method: clinical testing. Allele origin: germline.
Comment: This sequence change replaces phenylalanine, which is neutral and non-polar, with leucine, which is neutral and non-polar, at codon 1969 of the HMCN1 protein (p.Phe1969Leu). This variant is present in population databases (rs772205746, gnomAD 0.01%). This variant has not been reported in the literature in individuals affected with HMCN1-related conditions. ClinVar contains an entry for this variant (Variation ID: 1986299). An algorithm developed to predict the effect of missense changes on protein structure and function (PolyPhen-2) suggests that this variant is likely to be disruptive. In summary, the available evidence is currently insufficient to determine the role of this variant in disease. Therefore, it has been classified as a Variant of Uncertain Significance.

Ambry Genetics
Classification: Uncertain significance. Last evaluated: 2025-01-28. Review status: criteria provided, single submitter. Criteria: Ambry Variant Classification Scheme 2023. Collection method: clinical testing. Allele origin: germline.